The following is an entry in ClinVar:

ClinVar aggregate classification (germline): Uncertain significance (1 of 4 stars; one submission).

Conditions:
Encephalopathy, acute, infection-induced (herpes-specific), susceptibility to, 1. Also called: Herpes simplex encephalitis, susceptibility to, 1. Identifiers: Orphanet 1930, MedGen C2750180, MONDO:0024563, OMIM 610551.

Allele frequency attached by ClinVar (database versions not stated): gnomAD 0.00058 and 0.00056; TOPMed 0.00060; ESP Exome Variant Server 0.00091; 1000 Genomes Project 30x 0.00047; ExAC 0.00052.

Submission:

Labcorp Genetics (formerly Invitae), Labcorp
Classification: Uncertain significance for Encephalopathy, acute, infection-induced (herpes-specific), susceptibility to, 1. Last evaluated: 2022-08-16. Review status: criteria provided, single submitter. Criteria: Invitae Variant Classification Sherloc (09022015). Collection method: clinical testing. Allele origin: germline.
Comment: This sequence change replaces proline, which is neutral and non-polar, with serine, which is neutral and polar, at codon 404 of the UNC93B1 protein (p.Pro404Ser). This variant is present in population databases (rs377021545, gnomAD 0.1%), and has an allele count higher than expected for a pathogenic variant. This variant has not been reported in the literature in individuals affected with UNC93B1-related conditions. ClinVar contains an entry for this variant (Variation ID: 537922). In summary, the available evidence is currently insufficient to determine the role of this variant in disease. Therefore, it has been classified as a Variant of Uncertain Significance.

NM_030930.4(UNC93B1):c.1210C>T (p.Pro404Ser)

Gene: UNC93B1 (unc-93B1 regulator of TLR signaling; minus strand). Cytogenetic location: 11q13.2.
Variant type: single nucleotide variant.
Coding change: c.1210C>T on transcript NM_030930.4 (MANE Select); coding-DNA position 1210, C replaced by T.
Protein change: p.Pro404Ser; replaces proline 404 with serine.
Molecular consequence: missense variant.
Genome position (GRCh38, 1-based): chr11:67,995,764, G>A on the plus strand (C>T on the coding strand, the complement: UNC93B1 is on the minus strand). VCF-style: chr11-67995764-G-A. GRCh37 (hg19) VCF-style: chr11-67763235-G-A.
Other names: short protein forms P404S.
Identifiers: ClinVar variation 537922 (VCV000537922.9), dbSNP rs377021545, ClinGen allele CA6145427.